The following is an entry in ClinVar:

NM_182641.4(BPTF):c.2180A>G (p.Asn727Ser)

Gene: BPTF (bromodomain PHD finger transcription factor; plus strand). Cytogenetic location: 17q24.2.
Variant type: single nucleotide variant.
Coding change: c.2180A>G on transcript NM_182641.4 (MANE Select); coding-DNA position 2180, A replaced by G.
Protein change: p.Asn727Ser; replaces asparagine 727 with serine.
Molecular consequence: missense variant.
Genome position (GRCh38, 1-based): chr17:67,893,494, A>G. VCF-style: chr17-67893494-A-G. GRCh37 (hg19) VCF-style: chr17-65889610-A-G.
Other names: c.2558A>G, p.Asn853Ser (NM_004459.7); c.2180A>G (NM_182641.3); short protein forms N727S, N853S.
Identifiers: ClinVar variation 1696940 (VCV001696940.3), dbSNP rs2061258356, ClinGen allele CA400718420.

ClinVar aggregate classification (germline): Uncertain significance. Review status: criteria provided, multiple submitters, no conflicts (2 of 4 stars). 2 submissions from 2 submitters: Uncertain significance (2). Last evaluated 2025-04-12.

Conditions:
Inborn genetic diseases. Identifiers: MedGen C0950123, MeSH D030342.

Allele frequency attached by ClinVar (database versions not stated): TOPMed below 0.00001.

Submissions (2):

Ambry Genetics
Classification: Uncertain significance for Inborn genetic diseases. Last evaluated: 2025-04-12. Review status: criteria provided, single submitter. Criteria: Ambry Variant Classification Scheme 2023. Collection method: clinical testing. Allele origin: germline.

GeneDx
Classification: Uncertain significance. Last evaluated: 2022-07-13. Review status: criteria provided, single submitter. Criteria: GeneDx Variant Classification Process June 2021. Collection method: clinical testing. Allele origin: germline. Affected: yes.
Comment: Not observed at significant frequency in large population cohorts (gnomAD); In silico analysis supports that this missense variant has a deleterious effect on protein structure/function; Has not been previously published as pathogenic or benign to our knowledge